The following is an entry in ClinVar:

NM_002168.4(IDH2):c.327G>A (p.Val109=)

Gene: IDH2 (isocitrate dehydrogenase (NADP(+)) 2; minus strand). Cytogenetic location: 15q26.1.
Variant type: single nucleotide variant.
Coding change: c.327G>A on transcript NM_002168.4 (MANE Select); coding-DNA position 327, G replaced by A.
Protein change: p.Val109=; no amino-acid change (valine 109 retained).
Molecular consequence: synonymous variant. On other transcripts: intron variant (1).
Genome position (GRCh38, 1-based): chr15:90,090,525, C>T on the plus strand (G>A on the coding strand, the complement: IDH2 is on the minus strand). VCF-style: chr15-90090525-C-T. GRCh37 (hg19) VCF-style: chr15-90633757-C-T.
Other names: c.171G>A, p.Val57= (NM_001289910.1); c.-17-1778G>A (NM_001290114.2).
Identifiers: ClinVar variation 158665 (VCV000158665.40), dbSNP rs150943639, ClinGen allele CA172295.

ClinVar aggregate classification (germline): Conflicting classifications of pathogenicity. Review status: criteria provided, conflicting classifications (1 of 4 stars). 4 submissions from 4 submitters: Uncertain significance (1); Benign (2); Likely benign (1). Last evaluated 2026-09-01.

Conditions:
D-2-hydroxyglutaric aciduria 2 (D2HGA2). Identifiers: Orphanet 79315, MedGen C3150909, MONDO:0013345, OMIM 613657.

Allele frequency attached by ClinVar (database versions not stated): 1000 Genomes Project 30x 0.00109; 1000 Genomes Project 0.00120; gnomAD 0.00244 and 0.00257; gnomAD exomes 0.00247; TOPMed 0.00247; ExAC 0.00252; ESP Exome Variant Server 0.00323.

Submissions (4):

CeGaT Center for Human Genetics Tuebingen
Classification: Benign. Last evaluated: 2026-09-01. Review status: criteria provided, single submitter. Criteria: CeGaT Center For Human Genetics Tuebingen Variant Classification Criteria Version 2. Collection method: clinical testing. Allele origin: germline. Affected: yes. Observed: 12 variant alleles.
Comment: IDH2: BP4, BP7, BS1, BS2

Labcorp Genetics (formerly Invitae), Labcorp
Classification: Benign for D-2-hydroxyglutaric aciduria 2. Last evaluated: 2026-01-21. Review status: criteria provided, single submitter. Criteria: Invitae Variant Classification Sherloc (09022015). Collection method: clinical testing. Allele origin: germline.

Blueprint Genetics
Classification: Likely benign. Last evaluated: 2024-11-25. Review status: criteria provided, single submitter. Criteria: ACMG Guidelines, 2015. Collection method: clinical testing. Allele origin: germline.

Genetic Services Laboratory, University of Chicago
Classification: Uncertain significance. Last evaluated: 2014-12-16. Review status: criteria provided, single submitter. Criteria: ACMG Guidelines, 2015. Collection method: clinical testing. Allele origin: germline.